The following is an entry in ClinVar:

ClinVar aggregate classification (germline): Pathogenic (1 of 4 stars; one submission).

Submission:

Labcorp Genetics (formerly Invitae), Labcorp
Classification: Pathogenic. Last evaluated: 2022-09-19. Review status: criteria provided, single submitter. Criteria: Invitae Variant Classification Sherloc (09022015). Collection method: clinical testing. Allele origin: germline.
Comment: For these reasons, this variant has been classified as Pathogenic. This variant has not been reported in the literature in individuals affected with RINT1-related conditions. This variant is a gross deletion of the genomic region encompassing exon(s) 4 of the RINT1 gene. This deletion is out-of-frame, and is expected to create a premature termination codon and result in an absent or disrupted protein product. Loss-of-function variants in RINT1 are known to be pathogenic (PMID: 31204009).

Literature cited by the submitters: PubMed 31204009.

NC_000007.13:g.(?_105182845)_(105183106_?)del

Gene: RINT1 (RAD50 interactor 1; plus strand). Cytogenetic location: 7q22.3.
Variant type: Deletion.
Identifiers: ClinVar variation 1376273 (VCV001376273.5).